The following is an entry in ClinVar:

NM_078470.6(COX15):c.90+16G>A

Genes: COX15 (cytochrome c oxidase assembly factor COX15; minus strand), LOC130004506 (ATAC-STARR-seq lymphoblastoid active region 3872; plus strand). Cytogenetic location: 10q24.2.
Variant type: single nucleotide variant.
Coding change: c.90+16G>A on transcript NM_078470.6 (MANE Select); 16 bases into the intron after coding-DNA position 90, G replaced by A.
Molecular consequence: intron variant.
Genome position (GRCh38, 1-based): chr10:99,731,944, C>T on the plus strand (G>A on the coding strand, the complement: COX15 is on the minus strand). VCF-style: chr10-99731944-C-T. GRCh37 (hg19) VCF-style: chr10-101491701-C-T.
Other names: c.90+16G>A (NM_001320974.2, NM_001372026.1, NM_001372028.1 and 5 more transcripts); c.-365+16G>A (NM_001320976.2).
Identifiers: ClinVar variation 137012 (VCV000137012.10), dbSNP rs369863209, ClinGen allele CA290483.

ClinVar aggregate classification (germline): Benign/Likely benign. Review status: criteria provided, multiple submitters, no conflicts (2 of 4 stars). 4 submissions from 4 submitters: Benign (3); Likely benign (1). Last evaluated 2026-02-03.

Allele frequency attached by ClinVar (database versions not stated): gnomAD exomes 0.00017; ExAC 0.00044; ESP Exome Variant Server 0.00054; TOPMed 0.00081; gnomAD 0.00086.
gnomAD v4.1: 247 of 1,602,810 alleles (0.015%); highest among the groups gnomAD compares: African/African-American, 0.31%; 1 homozygote.

Submissions (4):

Labcorp Genetics (formerly Invitae), Labcorp
Classification: Benign. Last evaluated: 2026-02-03. Review status: criteria provided, single submitter. Criteria: Invitae Variant Classification Sherloc (09022015). Collection method: clinical testing. Allele origin: germline.

Blueprint Genetics
Classification: Likely benign. Last evaluated: 2024-02-19. Review status: criteria provided, single submitter. Criteria: ACMG Guidelines, 2015. Collection method: clinical testing. Allele origin: germline.

Women's Health and Genetics/Laboratory Corporation of America, LabCorp
Classification: Benign. Last evaluated: 2022-06-06. Review status: criteria provided, single submitter. Criteria: LabCorp Variant Classification Summary - May 2015. Collection method: clinical testing. Allele origin: germline.
Comment: Variant summary: COX15 c.90+16G>A alters a non-conserved nucleotide located close to a canonical splice site and therefore could affect mRNA splicing, leading to a significantly altered protein sequence. 4/4 computational tools predict no significant impact on normal splicing. However, these predictions have yet to be confirmed by functional studies. The variant allele was found at a frequency of 0.00017 in 224890 control chromosomes, predominantly at a frequency of 0.0027 within the African or African-American subpopulation in the gnomAD database. The observed variant frequency within African or African-American control individuals in the gnomAD database is approximately 2 fold of the estimated maximal expected allele frequency for a pathogenic variant in COX15 causing Leigh Syndrome phenotype (0.0013), strongly suggesting that the variant is a benign polymorphism found primarily in populations of African or African-American origin. To our knowledge, no occurrence of c.90+16G>A in individuals affected with Leigh Syndrome and no experimental evidence demonstrating its impact on protein function have been reported. One clinical diagnostic laboratory has submitted clinical-significance assessments for this variant to ClinVar after and classified the variant as benign. Based on the evidence outlined above, the variant was classified as benign.

GeneDx
Classification: Benign. Last evaluated: 2012-11-28. Review status: criteria provided, single submitter. Criteria: GeneDx Variant Classification (06012015). Collection method: clinical testing. Allele origin: germline. Affected: yes.
Comment: This variant is considered likely benign or benign based on one or more of the following criteria: it is a conservative change, it occurs at a poorly conserved position in the protein, it is predicted to be benign by multiple in silico algorithms, and/or has population frequency not consistent with disease.